The following is an entry in ClinVar:

ClinVar aggregate classification (germline): Likely benign (0 of 4 stars; one submission).

Conditions:
COL5A1-related disorder. Also called: COL5A1-related condition.

Submission:

PreventionGenetics, part of Exact Sciences
Classification: Likely benign for COL5A1-related condition. Last evaluated: 2020-01-16. Review status: no assertion criteria provided. Collection method: clinical testing. Allele origin: germline.
Comment: This variant is classified as likely benign based on ACMG/AMP sequence variant interpretation guidelines (Richards et al. 2015 PMID: 25741868, with internal and published modifications).

NM_000093.5(COL5A1):c.2845-10C>T

Gene: COL5A1 (collagen type V alpha 1 chain; plus strand). Cytogenetic location: 9q34.3.
Variant type: single nucleotide variant.
Coding change: c.2845-10C>T on transcript NM_000093.5 (MANE Select); 10 bases into the intron before coding-DNA position 2845, C replaced by T.
Molecular consequence: intron variant.
Genome position (GRCh38, 1-based): chr9:134,796,838, C>T. VCF-style: chr9-134796838-C-T. GRCh37 (hg19) VCF-style: chr9-137688684-C-T.
Other names: c.2845-10C>T (NM_001278074.1).
Identifiers: ClinVar variation 3052036 (VCV003052036.2), dbSNP rs2490768119, ClinGen allele CA2692459689.